The following is an entry in ClinVar:

NM_001330078.2(NRXN1):c.2538C>G (p.Asn846Lys)

Gene: NRXN1 (neurexin 1; minus strand). Cytogenetic location: 2p16.3.
Variant type: single nucleotide variant.
Coding change: c.2538C>G on transcript NM_001330078.2 (MANE Select); coding-DNA position 2538, C replaced by G.
Protein change: p.Asn846Lys; replaces asparagine 846 with lysine.
Molecular consequence: missense variant.
Genome position (GRCh38, 1-based): chr2:50,497,674, G>C on the plus strand (C>G on the coding strand, the complement: NRXN1 is on the minus strand). VCF-style: chr2-50497674-G-C. GRCh37 (hg19) VCF-style: chr2-50724812-G-C.
Other names: c.2658C>G, p.Asn886Lys (NM_001135659.3); c.2514C>G, p.Asn838Lys (NM_001330077.2, NM_001330082.2); c.2472C>G, p.Asn824Lys (NM_001330083.2, NM_001330084.2); c.2511C>G, p.Asn837Lys (NM_001330085.2); c.2538C>G, p.Asn846Lys (NM_001330086.2, NM_004801.6); c.2427C>G, p.Asn809Lys (NM_001330087.2, NM_001330096.2); c.2457C>G, p.Asn819Lys (NM_001330088.2); c.2535C>G, p.Asn845Lys (NM_001330093.2); and 2 more; short protein forms N809K, N837K, N842K, N829K, N838K, N845K, N846K, N886K.
Identifiers: ClinVar variation 2062166 (VCV002062166.4), dbSNP rs757364874, ClinGen allele CA1654767.

ClinVar aggregate classification (germline): Uncertain significance (1 of 4 stars; one submission).

Conditions:
Pitt-Hopkins-like syndrome 2 (PTHSL2). Identifiers: Orphanet 221150, Orphanet 600663, MedGen C3280479, MONDO:0013690, OMIM 614325.

Allele frequency attached by ClinVar (database versions not stated): ExAC 0.00001.
gnomAD v4.1: 1 of 1,613,674 alleles (0.000062%); no homozygotes.

Submission:

Labcorp Genetics (formerly Invitae), Labcorp
Classification: Uncertain significance for Pitt-Hopkins-like syndrome 2. Last evaluated: 2024-12-12. Review status: criteria provided, single submitter. Criteria: Invitae Variant Classification Sherloc (09022015). Collection method: clinical testing. Allele origin: germline.
Comment: This sequence change replaces asparagine, which is neutral and polar, with lysine, which is basic and polar, at codon 886 of the NRXN1 protein (p.Asn886Lys). This variant is present in population databases (rs757364874, gnomAD 0.0009%). This variant has not been reported in the literature in individuals affected with NRXN1-related conditions. ClinVar contains an entry for this variant (Variation ID: 2062166). An algorithm developed to predict the effect of missense changes on protein structure and function (PolyPhen-2) suggests that this variant is likely to be disruptive. In summary, the available evidence is currently insufficient to determine the role of this variant in disease. Therefore, it has been classified as a Variant of Uncertain Significance.